The following is an entry in ClinVar:

ClinVar aggregate classification (germline): Uncertain significance (1 of 4 stars; one submission).

Conditions:
Inborn genetic diseases. Identifiers: MedGen C0950123, MeSH D030342.

Submission:

Ambry Genetics
Classification: Uncertain significance for Inborn genetic diseases. Last evaluated: 2025-09-19. Review status: criteria provided, single submitter. Criteria: Ambry Variant Classification Scheme 2023. Collection method: clinical testing. Allele origin: germline.
Comment: The p.E1108D variant (also known as c.3324G>T), located in coding exon 31 of the RTEL1 gene, results from a G to T substitution at nucleotide position 3324. The glutamic acid at codon 1108 is replaced by aspartic acid, an amino acid with highly similar properties. This amino acid position is conserved. In addition, the in silico prediction for this alteration is inconclusive. Based on the available evidence, the clinical significance of this variant remains unclear.

NM_001283009.2(RTEL1):c.3324G>T (p.Glu1108Asp)

Genes: RTEL1 (regulator of telomere elongation helicase 1; plus strand), RTEL1-TNFRSF6B (RTEL1-TNFRSF6B readthrough (NMD candidate); plus strand). Cytogenetic location: 20q13.33.
Variant type: single nucleotide variant.
Coding change: c.3324G>T on transcript NM_001283009.2 (MANE Select); coding-DNA position 3324, G replaced by T.
Protein change: p.Glu1108Asp; replaces glutamic acid 1108 with aspartic acid.
Molecular consequence: missense variant. On other transcripts: non-coding transcript variant (1).
Genome position (GRCh38, 1-based): chr20:63,694,955, G>T. VCF-style: chr20-63694955-G-T. GRCh37 (hg19) VCF-style: chr20-62326308-G-T.
Other names: c.2655G>T, p.Glu885Asp (NM_001283010.1); c.3324G>T, p.Glu1108Asp (NM_016434.4); c.3396G>T, p.Glu1132Asp (NM_032957.5); short protein forms E1108D, E885D, E1132D.
Identifiers: ClinVar variation 4629509 (VCV004629509.1).